The following is an entry in ClinVar:

NM_001130987.2(DYSF):c.1917G>C (p.Gly639=)

Gene: DYSF (dysferlin; plus strand). Cytogenetic location: 2p13.2.
Variant type: single nucleotide variant.
Coding change: c.1917G>C on transcript NM_001130987.2 (MANE Select); coding-DNA position 1917, G replaced by C.
Protein change: p.Gly639=; no amino-acid change (glycine 639 retained).
Molecular consequence: synonymous variant.
Genome position (GRCh38, 1-based): chr2:71,553,121, G>C. VCF-style: chr2-71553121-G-C. GRCh37 (hg19) VCF-style: chr2-71780251-G-C.
Other names: c.1863G>C, p.Gly621= (NM_003494.4, NM_001130978.2); c.1866G>C, p.Gly622= (NM_001130455.2, NM_001130983.2); c.1821G>C, p.Gly607= (NM_001130976.2, NM_001130977.2); c.1956G>C, p.Gly652= (NM_001130979.2); c.1914G>C, p.Gly638= (NM_001130980.2, NM_001130981.2); c.1959G>C, p.Gly653= (NM_001130982.2); c.1824G>C, p.Gly608= (NM_001130984.2, NM_001130986.2); c.1917G>C, p.Gly639= (NM_001130985.2).
Identifiers: ClinVar variation 2730116 (VCV002730116.19), dbSNP rs769518034, ClinGen allele CA426701325.
Genomic context (GRCh38, chr2:71,553,121, plus strand): 5'-CACCATGCTGCAGGATGTGGATGATGCCATCCAGTTTGAGGTCAGCATCGGGAACTACGG[G>C]AACAAGTTCGACATGACCTGCCTGCCGCTGGCCTCCACCACTCAGTACAGCCGTGCAGTC-3'
Protein context (NP_001124459.1, residues 629-649): IQFEVSIGNY[Gly639=]NKFDMTCLPL

ClinVar aggregate classification (germline): Likely benign. Review status: criteria provided, multiple submitters, no conflicts (2 of 4 stars). 2 submissions from 2 submitters: Likely benign (2). Last evaluated 2026-01-24.

Conditions:
Neuromuscular disease caused by qualitative or quantitative defects of dysferlin. Also called: Qualitative or quantitative defects of dysferlin; Dysferlinopathy. Identifiers: Orphanet 207073, MedGen C2931687, MONDO:0016145.

gnomAD v4.1: 5 of 1,614,128 alleles (0.00031%); highest among the groups gnomAD compares: Non-Finnish European, 0.00042%; no homozygotes.

Submissions (2):

Labcorp Genetics (formerly Invitae), Labcorp
Classification: Likely benign for Neuromuscular disease caused by qualitative or quantitative defects of dysferlin. Last evaluated: 2026-01-24. Review status: criteria provided, single submitter. Criteria: Invitae Variant Classification Sherloc (09022015). Collection method: clinical testing. Allele origin: germline.

CeGaT Center for Human Genetics Tuebingen
Classification: Likely benign. Last evaluated: 2024-08-01. Review status: criteria provided, single submitter. Criteria: CeGaT Center For Human Genetics Tuebingen Variant Classification Criteria Version 2. Collection method: clinical testing. Allele origin: germline. Affected: yes. Observed: 1 variant allele.
Comment: DYSF: BP4, BP7